The following is an entry in ClinVar:

ClinVar aggregate classification (germline): Uncertain significance. Review status: criteria provided, single submitter (1 of 4 stars). 2 submissions from 2 submitters: Uncertain significance (1). 1 of the submissions does not count toward it. Last evaluated 2023-10-09.

Conditions:
Neu-Laxova syndrome 2. Identifiers: Orphanet 2671, Orphanet 583602, MedGen C4015019, MONDO:0014466, OMIM 616038.

Allele frequency attached by ClinVar (database versions not stated): gnomAD exomes below 0.00001; gnomAD 0.00001.
gnomAD v4.1: 4 of 1,613,682 alleles (0.00025%); highest among the groups gnomAD compares: Non-Finnish European, 0.00034%; no homozygotes.

Submissions (2):

Labcorp Genetics (formerly Invitae), Labcorp
Classification: Uncertain significance for Neu-Laxova syndrome 2. Last evaluated: 2023-10-09. Review status: criteria provided, single submitter. Criteria: Invitae Variant Classification Sherloc (09022015). Collection method: clinical testing. Allele origin: germline.
Comment: This sequence change replaces glycine, which is neutral and non-polar, with arginine, which is basic and polar, at codon 203 of the PSAT1 protein (p.Gly203Arg). This variant is present in population databases (no rsID available, gnomAD 0.002%). This variant has not been reported in the literature in individuals affected with PSAT1-related conditions. ClinVar contains an entry for this variant (Variation ID: 976892). Advanced modeling of protein sequence and biophysical properties (such as structural, functional, and spatial information, amino acid conservation, physicochemical variation, residue mobility, and thermodynamic stability) performed at Invitae indicates that this missense variant is expected to disrupt PSAT1 protein function. Experimental studies have shown that this missense change affects PSAT1 function (PMID: 32077105). In summary, the available evidence is currently insufficient to determine the role of this variant in disease. Therefore, it has been classified as a Variant of Uncertain Significance.

Dudley Research Group, Pacific Northwest Research Institute
No classification provided. Review status: no classification provided. Collection method: research, in vivo. Allele origin: unknown, not applicable. Functional consequence: loss_of_function_variant. Not counted in ClinVar's aggregate classification.

Literature cited by the submitters: PubMed 32077105 (cited by Labcorp Genetics (formerly Invitae), Labcorp).

NM_058179.4(PSAT1):c.607G>C (p.Gly203Arg)

Gene: PSAT1 (phosphoserine aminotransferase 1; plus strand). Cytogenetic location: 9q21.2.
Variant type: single nucleotide variant.
Coding change: c.607G>C on transcript NM_058179.4 (MANE Select); coding-DNA position 607, G replaced by C.
Protein change: p.Gly203Arg; replaces glycine 203 with arginine.
Molecular consequence: missense variant.
Genome position (GRCh38, 1-based): chr9:78,308,450, G>C. VCF-style: chr9-78308450-G-C. GRCh37 (hg19) VCF-style: chr9-80923366-G-C.
Other names: c.607G>C, p.Gly203Arg (NM_021154.5); short protein forms G203R.
Identifiers: ClinVar variation 976892 (VCV000976892.6), dbSNP rs1253727919, ClinGen allele CA373874058.